The following is an entry in ClinVar:

ClinVar aggregate classification (germline): Uncertain significance (1 of 4 stars; one submission).

Submission:

Labcorp Genetics (formerly Invitae), Labcorp
Classification: Uncertain significance. Last evaluated: 2024-12-02. Review status: criteria provided, single submitter. Criteria: Invitae Variant Classification Sherloc (09022015). Collection method: clinical testing. Allele origin: germline.
Comment: This sequence change replaces valine, which is neutral and non-polar, with leucine, which is neutral and non-polar, at codon 1752 of the ATR protein (p.Val1752Leu). This variant is not present in population databases (gnomAD no frequency). This variant has not been reported in the literature in individuals affected with ATR-related conditions. ClinVar contains an entry for this variant (Variation ID: 2703781). An algorithm developed to predict the effect of missense changes on protein structure and function (PolyPhen-2) suggests that this variant is likely to be disruptive. In summary, the available evidence is currently insufficient to determine the role of this variant in disease. Therefore, it has been classified as a Variant of Uncertain Significance.

NM_001184.4(ATR):c.5254G>C (p.Val1752Leu)

Gene: ATR (ATR checkpoint kinase; minus strand). Cytogenetic location: 3q23.
Variant type: single nucleotide variant.
Coding change: c.5254G>C on transcript NM_001184.4 (MANE Select); coding-DNA position 5254, G replaced by C.
Protein change: p.Val1752Leu; replaces valine 1752 with leucine.
Molecular consequence: missense variant.
Genome position (GRCh38, 1-based): chr3:142,503,396, C>G on the plus strand (G>C on the coding strand, the complement: ATR is on the minus strand). VCF-style: chr3-142503396-C-G. GRCh37 (hg19) VCF-style: chr3-142222238-C-G.
Other names: c.5062G>C, p.Val1688Leu (NM_001354579.2); short protein forms V1688L, V1752L.
Identifiers: ClinVar variation 2703781 (VCV002703781.3), dbSNP rs2473182581, ClinGen allele CA354818381.